The following is an entry in ClinVar:

ClinVar aggregate classification (germline): Conflicting classifications of pathogenicity. Review status: criteria provided, conflicting classifications (1 of 4 stars). 3 submissions from 3 submitters: Likely pathogenic (1); Uncertain significance (2). Last evaluated 2025-10-07.

Conditions:
Mendelian susceptibility to mycobacterial diseases due to complete ISG15 deficiency. Also called: IMMUNODEFICIENCY 38, MYCOBACTERIOSIS, AUTOSOMAL RECESSIVE; ISG15 DEFICIENCY, AUTOSOMAL RECESSIVE; Immunodeficiency 38 with basal ganglia calcification; Immunodeficiency 38. Identifiers: Orphanet 319563, MedGen C4015293, MONDO:0014502, OMIM 616126.

Allele frequency attached by ClinVar (database versions not stated): gnomAD 0.00001.
gnomAD v4.1: 2 of 1,612,928 alleles (0.00012%); highest among the groups gnomAD compares: Admixed American, 0.0017%; no homozygotes.

Submissions (3):

Dasa
Classification: Uncertain significance. Last evaluated: 2025-10-07. Review status: criteria provided, single submitter. Criteria: DASA Assertion Criteria. Collection method: clinical testing. Allele origin: germline.
Comment: NM_005101.4(ISG15):c.83T>A (p.Leu28Gln) is a missense variant that results in the substitution of leucine with glutamine. Functional evidence supports an impact on the gene or gene product (PMID: 32402279). Also, this variant is rare in population databases. Computational prediction algorithms are consistent with a deleterious effect. The currently available literature and clinical evidence are not sufficient to establish a definitive association between this variant and the reported condition. Therefore, this variant is classified as a variant of uncertain significance.

Laboratorio de Genetica e Diagnostico Molecular, Hospital Israelita Albert Einstein
Classification: Likely pathogenic for Mendelian susceptibility to mycobacterial diseases due to complete ISG15 deficiency. Last evaluated: 2022-05-26. Review status: criteria provided, single submitter. Criteria: ACMG Guidelines, 2015. Collection method: clinical testing. Allele origin: germline. Affected: yes. Observed: 1 variant allele.
Comment: ACMG classification criteria: PS3 supporting, PS4 supporting, PM2 moderated, PM3 moderated, PP3 supporting

Labcorp Genetics (formerly Invitae), Labcorp
Classification: Uncertain significance for Mendelian susceptibility to mycobacterial diseases due to complete ISG15 deficiency. Last evaluated: 2022-02-04. Review status: criteria provided, single submitter. Criteria: Invitae Variant Classification Sherloc (09022015). Collection method: clinical testing. Allele origin: germline.
Comment: In summary, the available evidence is currently insufficient to determine the role of this variant in disease. Therefore, it has been classified as a Variant of Uncertain Significance. Experimental studies have shown that this missense change affects ISG15 function (PMID: 32402279). Algorithms developed to predict the effect of missense changes on protein structure and function (SIFT, PolyPhen-2, Align-GVGD) all suggest that this variant is likely to be disruptive. This missense change has been observed in individual(s) with clinical features of ISG15-related conditions (PMID: 32402279). This variant is not present in population databases (gnomAD no frequency). This sequence change replaces leucine, which is neutral and non-polar, with glutamine, which is neutral and polar, at codon 28 of the ISG15 protein (p.Leu28Gln).

Literature cited by the submitters: PubMed 32402279 (cited by Dasa and Labcorp Genetics (formerly Invitae), Labcorp).

NM_005101.4(ISG15):c.83T>A (p.Leu28Gln)

Gene: ISG15 (ISG15 ubiquitin like modifier; plus strand). Cytogenetic location: 1p36.33.
Variant type: single nucleotide variant.
Coding change: c.83T>A on transcript NM_005101.4 (MANE Select); coding-DNA position 83, T replaced by A.
Protein change: p.Leu28Gln; replaces leucine 28 with glutamine.
Molecular consequence: missense variant.
Genome position (GRCh38, 1-based): chr1:1,014,063, T>A. VCF-style: chr1-1014063-T-A. GRCh37 (hg19) VCF-style: chr1-949443-T-A.
Other names: short protein forms L28Q.
Identifiers: ClinVar variation 1354468 (VCV001354468.8), dbSNP rs1245686232, ClinGen allele CA337803654.